The following is an entry in ClinVar:

ClinVar aggregate classification (germline): Conflicting classifications of pathogenicity. Review status: criteria provided, conflicting classifications (1 of 4 stars). 4 submissions from 4 submitters: Uncertain significance (1); Benign (1); Likely benign (1). 1 of the submissions does not count toward it. Last evaluated 2026-01-20.

Conditions:
Congenital diarrhea 7 with exudative enteropathy. Also called: Diarrhea 7. Identifiers: Orphanet 329242, MedGen C4014516, MONDO:0014375, OMIM 615863.
DGAT1-related disorder. Also called: DGAT1-related condition.

Submissions (4):

Labcorp Genetics (formerly Invitae), Labcorp
Classification: Benign. Last evaluated: 2026-01-20. Review status: criteria provided, single submitter. Criteria: Invitae Variant Classification Sherloc (09022015). Collection method: clinical testing. Allele origin: germline.

Blueprint Genetics
Classification: Likely benign. Last evaluated: 2024-11-26. Review status: criteria provided, single submitter. Criteria: ACMG Guidelines, 2015. Collection method: clinical testing. Allele origin: germline.

Laboratorio de Genetica e Diagnostico Molecular, Hospital Israelita Albert Einstein
Classification: Uncertain significance for Congenital diarrhea 7 with exudative enteropathy. Last evaluated: 2022-04-22. Review status: criteria provided, single submitter. Criteria: ACMG Guidelines, 2015. Collection method: clinical testing. Allele origin: germline. Affected: yes.
Comment: ACMG classification criteria: PM2 moderated

PreventionGenetics, part of Exact Sciences
Classification: Likely benign for DGAT1-related condition. Last evaluated: 2019-04-01. Review status: no assertion criteria provided. Collection method: clinical testing. Allele origin: germline. Not counted in ClinVar's aggregate classification.
Comment: This variant is classified as likely benign based on ACMG/AMP sequence variant interpretation guidelines (Richards et al. 2015 PMID: 25741868, with internal and published modifications).

NM_012079.6(DGAT1):c.1095-3dup

Genes: DGAT1 (diacylglycerol O-acyltransferase 1; minus strand), MIR6848 (microRNA 6848; minus strand). Cytogenetic location: 8q24.3.
Variant type: Duplication.
Coding change: c.1095-3dup on transcript NM_012079.6 (MANE Select); 3 bases into the intron before coding-DNA position 1095, one base duplicated (C; older notation c.1095-3dupC).
Molecular consequence: intron variant. On other transcripts: non-coding transcript variant (1).
Genome position (GRCh38, 1-based): chr8:144,317,255, G duplicated on the plus strand (C on the coding strand, the reverse complement: DGAT1 is on the minus strand); the first of 5 consecutive G bases (chr8:144,317,255-144,317,259); duplicating any one gives the same sequence. VCF-style (leftmost placement, unchanged base first): chr8-144317254-T-TG. GRCh37 (hg19) VCF-style: chr8-145540917-T-TG.
Other names: c.1095-3dupC (NM_012079.5).
Identifiers: ClinVar variation 1599565 (VCV001599565.13), dbSNP rs541041759, ClinGen allele CA4936664.